The following is an entry in ClinVar:

NM_139057.4(ADAMTS17):c.2950-209G>C

Gene: ADAMTS17 (ADAM metallopeptidase with thrombospondin type 1 motif 17; minus strand). Cytogenetic location: 15q26.3.
Variant type: single nucleotide variant.
Coding change: c.2950-209G>C on transcript NM_139057.4 (MANE Select); 209 bases into the intron before coding-DNA position 2950, G replaced by C.
Molecular consequence: intron variant.
Genome position (GRCh38, 1-based): chr15:99,976,431, C>G on the plus strand (G>C on the coding strand, the complement: ADAMTS17 is on the minus strand). VCF-style: chr15-99976431-C-G. GRCh37 (hg19) VCF-style: chr15-100516636-C-G.
Identifiers: ClinVar variation 1706916 (VCV001706916.2), dbSNP rs144353291, ClinGen allele CA275489143.

ClinVar aggregate classification (germline): Likely benign (1 of 4 stars; one submission).

Allele frequency attached by ClinVar (database versions not stated): 1000 Genomes Project 30x 0.00937; 1000 Genomes Project 0.00998; gnomAD 0.01234; TOPMed 0.01356.
gnomAD v4.1: 9,742 of 685,022 alleles (1.4%); highest among the groups gnomAD compares: Middle Eastern, 3.3%; 97 homozygotes.

Submission:

GeneDx
Classification: Likely benign. Last evaluated: 2019-04-16. Review status: criteria provided, single submitter. Criteria: GeneDx Variant Classification Process June 2021. Collection method: clinical testing. Allele origin: germline. Affected: yes.
Comment: See Variant Classification Assertion Criteria.